The following is an entry in ClinVar:

ClinVar aggregate classification (germline): Uncertain significance (1 of 4 stars; one submission).

gnomAD v4.1: 1 of 1,613,140 alleles (0.000062%); highest among the groups gnomAD compares: Non-Finnish European, 0.000085%; no homozygotes.

Submission:

Labcorp Genetics (formerly Invitae), Labcorp
Classification: Uncertain significance. Last evaluated: 2025-06-11. Review status: criteria provided, single submitter. Criteria: Invitae Variant Classification Sherloc (09022015). Collection method: clinical testing. Allele origin: germline.
Comment: This sequence change replaces threonine, which is neutral and polar, with isoleucine, which is neutral and non-polar, at codon 448 of the RAI1 protein (p.Thr448Ile). This variant is not present in population databases (gnomAD no frequency). This variant has not been reported in the literature in individuals affected with RAI1-related conditions. Invitae Evidence Modeling of protein sequence and biophysical properties (such as structural, functional, and spatial information, amino acid conservation, physicochemical variation, residue mobility, and thermodynamic stability) has been performed for this missense variant. However, the output from this modeling did not meet the statistical confidence thresholds required to predict the impact of this variant on RAI1 protein function. In summary, the available evidence is currently insufficient to determine the role of this variant in disease. Therefore, it has been classified as a Variant of Uncertain Significance.

NM_030665.4(RAI1):c.1343C>T (p.Thr448Ile)

Gene: RAI1 (retinoic acid induced 1; plus strand). Cytogenetic location: 17p11.2.
Variant type: single nucleotide variant.
Coding change: c.1343C>T on transcript NM_030665.4 (MANE Select); coding-DNA position 1343, C replaced by T.
Protein change: p.Thr448Ile; replaces threonine 448 with isoleucine.
Molecular consequence: missense variant.
Genome position (GRCh38, 1-based): chr17:17,794,291, C>T. VCF-style: chr17-17794291-C-T. GRCh37 (hg19) VCF-style: chr17-17697605-C-T.
Other names: short protein forms T448I.
Identifiers: ClinVar variation 4723277 (VCV004723277.1).